The following is an entry in ClinVar:

NM_000057.4(BLM):c.2780G>C (p.Arg927Thr)

Gene: BLM (BLM RecQ like helicase; plus strand). Cytogenetic location: 15q26.1.
Variant type: single nucleotide variant.
Coding change: c.2780G>C on transcript NM_000057.4 (MANE Select); coding-DNA position 2780, G replaced by C.
Protein change: p.Arg927Thr; replaces arginine 927 with threonine.
Molecular consequence: missense variant.
Genome position (GRCh38, 1-based): chr15:90,785,038, G>C. VCF-style: chr15-90785038-G-C. GRCh37 (hg19) VCF-style: chr15-91328268-G-C.
Other names: c.2780G>C, p.Arg927Thr (NM_001287246.2, NM_001287247.2); c.1655G>C, p.Arg552Thr (NM_001287248.2); short protein forms R927T, R552T.
Identifiers: ClinVar variation 2908926 (VCV002908926.3), dbSNP rs2505502048, ClinGen allele CA393846094.

ClinVar aggregate classification (germline): Uncertain significance (1 of 4 stars; one submission).

Conditions:
Bloom syndrome (BLM). Also called: Bloom-Torre-Machacek syndrome. Identifiers: Orphanet 125, MedGen C0005859, MONDO:0008876, OMIM 210900.

Submission:

Labcorp Genetics (formerly Invitae), Labcorp
Classification: Uncertain significance for Bloom syndrome. Last evaluated: 2023-07-08. Review status: criteria provided, single submitter. Criteria: Invitae Variant Classification Sherloc (09022015). Collection method: clinical testing. Allele origin: germline.
Comment: This variant is not present in population databases (gnomAD no frequency). This variant has not been reported in the literature in individuals affected with BLM-related conditions. Advanced modeling of protein sequence and biophysical properties (such as structural, functional, and spatial information, amino acid conservation, physicochemical variation, residue mobility, and thermodynamic stability) performed at Invitae indicates that this missense variant is expected to disrupt BLM protein function. In summary, the available evidence is currently insufficient to determine the role of this variant in disease. Therefore, it has been classified as a Variant of Uncertain Significance. This sequence change replaces arginine, which is basic and polar, with threonine, which is neutral and polar, at codon 927 of the BLM protein (p.Arg927Thr).